The following is an entry in ClinVar:

ClinVar aggregate classification (germline): Likely benign (1 of 4 stars; one submission).

Allele frequency attached by ClinVar (database versions not stated): 1000 Genomes Project 30x 0.00016; 1000 Genomes Project 0.00020.
gnomAD v4.1: 119 of 1,613,818 alleles (0.0074%); highest among the groups gnomAD compares: South Asian, 0.086%; 1 homozygote.

Submission:

CeGaT Center for Human Genetics Tuebingen
Classification: Likely benign. Last evaluated: 2022-07-01. Review status: criteria provided, single submitter. Criteria: CeGaT Center For Human Genetics Tuebingen Variant Classification Criteria Version 2. Collection method: clinical testing. Allele origin: germline. Affected: yes. Observed: 1 variant allele.
Comment: PLA2G4D: BP4, BP7

NM_178034.4(PLA2G4D):c.561G>C (p.Leu187=)

Gene: PLA2G4D (phospholipase A2 group IVD; minus strand). Cytogenetic location: 15q15.1.
Variant type: single nucleotide variant.
Coding change: c.561G>C on transcript NM_178034.4 (MANE Select); coding-DNA position 561, G replaced by C.
Protein change: p.Leu187=; no amino-acid change (leucine 187 retained).
Molecular consequence: synonymous variant.
Genome position (GRCh38, 1-based): chr15:42,083,309, C>G on the plus strand (G>C on the coding strand, the complement: PLA2G4D is on the minus strand). VCF-style: chr15-42083309-C-G. GRCh37 (hg19) VCF-style: chr15-42375507-C-G.
Identifiers: ClinVar variation 2645234 (VCV002645234.24), dbSNP rs556646644, ClinGen allele CA7506719.